The following is an entry in ClinVar:

NM_000426.4(LAMA2):c.4510C>T (p.Gln1504Ter)

Gene: LAMA2 (laminin subunit alpha 2; plus strand). Cytogenetic location: 6q22.33.
Variant type: single nucleotide variant.
Coding change: c.4510C>T on transcript NM_000426.4 (MANE Select); coding-DNA position 4510, C replaced by T.
Protein change: p.Gln1504Ter; replaces glutamine 1504 with a stop codon.
Molecular consequence: nonsense.
Genome position (GRCh38, 1-based): chr6:129,349,371, C>T. VCF-style: chr6-129349371-C-T. GRCh37 (hg19) VCF-style: chr6-129670516-C-T.
Other names: c.4510C>T, p.Gln1504Ter (NM_001079823.2); short protein forms Q1504*.
Identifiers: ClinVar variation 2656905 (VCV002656905.24), dbSNP rs2482559780, ClinGen allele CA365617567.

ClinVar aggregate classification (germline): Pathogenic (1 of 4 stars; one submission).

Allele frequency attached by ClinVar (database versions not stated): gnomAD exomes below 0.00001.
gnomAD v4.1: 1 of 1,612,996 alleles (0.000062%); highest among the groups gnomAD compares: Non-Finnish European, 0.000085%; no homozygotes.

Submission:

CeGaT Center for Human Genetics Tuebingen
Classification: Pathogenic. Last evaluated: 2022-11-01. Review status: criteria provided, single submitter. Criteria: CeGaT Center For Human Genetics Tuebingen Variant Classification Criteria Version 2. Collection method: clinical testing. Allele origin: germline. Affected: yes. Observed: 1 variant allele.
Comment: LAMA2: PVS1, PM2